The following is an entry in ClinVar:

NM_001844.5(COL2A1):c.346_347insA (p.Val116fs)

Gene: COL2A1 (collagen type II alpha 1 chain; minus strand). Cytogenetic location: 12q13.11.
Variant type: Insertion.
Coding change: c.346_347insA on transcript NM_001844.5 (MANE Select); coding-DNA positions 346 to 347, A inserted.
Protein change: p.Val116fs; shifts the reading frame from valine 116.
Molecular consequence: frameshift variant.
Genome position: GRCh38 VCF-style: chr12-47998060-A-AT. GRCh37 (hg19) VCF-style: chr12-48391843-A-AT.
Other names: c.139_140insA, p.Val47fs (NM_033150.3); short protein forms V47fs, V116fs.
Identifiers: ClinVar variation 1453275 (VCV001453275.6), dbSNP rs2136628462, ClinGen allele CA2573148729.
Genomic context (GRCh38, chr12:47,998,060, plus strand): 5'-GGGACGGAGAAAGAGATTTCTCCCTCTCTTACCTGAGGCCCAGGAGGTCCTTTGGGTCCT[A>AT]CAATCTGTGAGAGAGAGCCCCACAGGATGGTAAGTTAGAGGAGAGCACAAGGAAATGACC-3'

ClinVar aggregate classification (germline): Pathogenic (1 of 4 stars; one submission).

Submission:

Labcorp Genetics (formerly Invitae), Labcorp
Classification: Pathogenic. Last evaluated: 2020-12-26. Review status: criteria provided, single submitter. Criteria: Invitae Variant Classification Sherloc (09022015). Collection method: clinical testing. Allele origin: germline.
Comment: This variant is not present in population databases (ExAC no frequency). For these reasons, this variant has been classified as Pathogenic. This variant has not been reported in the literature in individuals with COL2A1-related conditions. This sequence change creates a premature translational stop signal (p.Val116Aspfs*24) in the COL2A1 gene. It is expected to result in an absent or disrupted protein product. Loss-of-function variants in COL2A1 are known to be pathogenic (PMID: 20179744).

Literature cited by the submitters: PubMed 20179744.